The following is an entry in ClinVar:

NM_001045.6(SLC6A4):c.837+2T>C

Gene: SLC6A4 (solute carrier family 6 member 4; minus strand). Cytogenetic location: 17q11.2.
Variant type: single nucleotide variant.
Coding change: c.837+2T>C on transcript NM_001045.6 (MANE Select); the canonical splice donor site of the intron after coding-DNA position 837, T replaced by C.
Molecular consequence: splice donor variant.
Genome position (GRCh38, 1-based): chr17:30,217,164, A>G on the plus strand (T>C on the coding strand, the complement: SLC6A4 is on the minus strand). VCF-style: chr17-30217164-A-G. GRCh37 (hg19) VCF-style: chr17-28544182-A-G.
Identifiers: ClinVar variation 1031015 (VCV001031015.1), dbSNP rs1315158539, ClinGen allele CA398956199.
Genomic context (GRCh38, chr17:30,217,164, plus strand): 5'-TTGAGTTTGAGAGCCTGTGGGCCCCTGGGCAGGCCTGGGTCAGCAGCCAGAGCCTTCCTC[A>G]CCTTGCCAGAGGTCTTGACGCCTTTCCAGATGCTGAAGTAGATAACAGTGAAGATCAGCA-3'

ClinVar aggregate classification (germline): Uncertain significance (1 of 4 stars; one submission).

Conditions:
Obsessive-compulsive disorder (OCD). Identifiers: MedGen C0028768, MONDO:0008114, OMIM 164230.

Allele frequency attached by ClinVar (database versions not stated): gnomAD exomes below 0.00001 and 0.00001; TOPMed below 0.00001.
gnomAD v4.1: 2 of 1,613,176 alleles (0.00012%); highest among the groups gnomAD compares: Admixed American, 0.0033%; no homozygotes.

Submission:

Baylor Genetics
Classification: Uncertain significance for Obsessive-compulsive disorder. Last evaluated: 2019-10-30. Review status: criteria provided, single submitter. Criteria: ACMG Guidelines, 2015. Collection method: clinical testing. Allele origin: unknown. Affected: yes.
Comment: This variant was determined to be of uncertain significance according to ACMG Guidelines, 2015 [PMID:25741868].